The following is an entry in ClinVar:

ClinVar aggregate classification (germline): Uncertain significance (1 of 4 stars; one submission).

Conditions:
Joubert syndrome. Also called: CEREBELLOPARENCHYMAL DISORDER IV; JOUBERT-BOLTSHAUSER SYNDROME; Familial aplasia of the vermis. Identifiers: Orphanet 475, MedGen C5979921, MONDO:0018772.
Meckel-Gruber syndrome. Also called: DYSENCEPHALIA SPLANCHNOCYSTICA; GRUBER SYNDROME; Dysencephalia splachnocystica. Identifiers: Orphanet 564, MedGen C0265215, MONDO:0018921.

Allele frequency attached by ClinVar (database versions not stated): gnomAD exomes below 0.00001.
gnomAD v4.1: 1 of 1,614,086 alleles (0.000062%); highest among the groups gnomAD compares: East Asian, 0.0022%; no homozygotes.

Submission:

Labcorp Genetics (formerly Invitae), Labcorp
Classification: Uncertain significance for Joubert syndrome; Meckel-Gruber syndrome. Last evaluated: 2022-04-13. Review status: criteria provided, single submitter. Criteria: Invitae Variant Classification Sherloc (09022015). Collection method: clinical testing. Allele origin: germline.
Comment: In summary, the available evidence is currently insufficient to determine the role of this variant in disease. Therefore, it has been classified as a Variant of Uncertain Significance. Algorithms developed to predict the effect of missense changes on protein structure and function are either unavailable or do not agree on the potential impact of this missense change (SIFT: "Deleterious"; PolyPhen-2: "Benign"; Align-GVGD: "Class C15"). This variant has not been reported in the literature in individuals affected with RPGRIP1L-related conditions. This variant is present in population databases (no rsID available, gnomAD 0.006%). This sequence change replaces serine, which is neutral and polar, with arginine, which is basic and polar, at codon 1180 of the RPGRIP1L protein (p.Ser1180Arg).

NM_015272.5(RPGRIP1L):c.3540T>G (p.Ser1180Arg)

Gene: RPGRIP1L (RPGRIP1 like; minus strand). Cytogenetic location: 16q12.2.
Variant type: single nucleotide variant.
Coding change: c.3540T>G on transcript NM_015272.5 (MANE Select); coding-DNA position 3540, T replaced by G.
Protein change: p.Ser1180Arg; replaces serine 1180 with arginine.
Molecular consequence: missense variant.
Genome position (GRCh38, 1-based): chr16:53,619,101, A>C on the plus strand (T>G on the coding strand, the complement: RPGRIP1L is on the minus strand). VCF-style: chr16-53619101-A-C. GRCh37 (hg19) VCF-style: chr16-53653013-A-C.
Other names: c.3300T>G, p.Ser1100Arg (NM_001127897.4); c.3402T>G, p.Ser1134Arg (NM_001308334.3); c.3438T>G, p.Ser1146Arg (NM_001330538.2); short protein forms S1146R, S1134R, S1180R, S1100R.
Identifiers: ClinVar variation 2095919 (VCV002095919.3), dbSNP rs1227260026, ClinGen allele CA395923490.
Genomic context (GRCh38, chr16:53,619,101, plus strand): 5'-GTAGACCCACTGCCCACTCTTGGGTTTTGGAAGTGACACGGGTGTCTCTTCAGCAGGAAG[A>C]CTGTAGAATCGACACTCAACAAACAGCCGTTGGATAGTGTCATCCATGGTTACTTGAGAA-3'
Protein context (NP_056087.2, residues 1170-1190): QRLFVECRFY[Ser1180Arg]LPAEETPVSL